The following is an entry in ClinVar:

ClinVar aggregate classification (germline): Uncertain significance (1 of 4 stars; one submission).

Allele frequency attached by ClinVar (database versions not stated): gnomAD exomes below 0.00001.
gnomAD v4.1: 1 of 1,614,152 alleles (0.000062%); highest among the groups gnomAD compares: Non-Finnish European, 0.000085%; no homozygotes.

Submission:

GeneDx
Classification: Uncertain significance. Last evaluated: 2019-04-08. Review status: criteria provided, single submitter. Criteria: GeneDx Variant Classification Process June 2021. Collection method: clinical testing. Allele origin: germline. Affected: yes.
Comment: Not observed in large population cohorts (Lek et al., 2016); In silico analysis, which includes protein predictors and evolutionary conservation, supports a deleterious effect; Has not been previously published as pathogenic or benign to our knowledge

NM_022114.4(PRDM16):c.1247A>G (p.His416Arg)

Gene: PRDM16 (PR/SET domain 16; plus strand). Cytogenetic location: 1p36.32.
Variant type: single nucleotide variant.
Coding change: c.1247A>G on transcript NM_022114.4 (MANE Select); coding-DNA position 1247, A replaced by G.
Protein change: p.His416Arg; replaces histidine 416 with arginine.
Molecular consequence: missense variant.
Genome position (GRCh38, 1-based): chr1:3,411,444, A>G. VCF-style: chr1-3411444-A-G. GRCh37 (hg19) VCF-style: chr1-3328008-A-G.
Other names: c.1247A>G, p.His416Arg (NM_199454.3); short protein forms H416R.
Identifiers: ClinVar variation 1304867 (VCV001304867.2), dbSNP rs2100662115, ClinGen allele CA337996799.
Genomic context (GRCh38, chr1:3,411,444, plus strand): 5'-GTGAGGTCTGCCACAAGTCCTACACGCAGTTCTCCAACCTGTGCCGGCACAAGCGGATGC[A>G]CGCCGACTGCCGCACGCAGATCAAGTGCAAGGACTGTGGCCAGATGTTCAGCACTACCTC-3'
Protein context (NP_071397.3, residues 406-426): FSNLCRHKRM[His416Arg]ADCRTQIKCK